The following is an entry in ClinVar:

NM_032575.3(GLIS2):c.1010C>T (p.Pro337Leu)

Gene: GLIS2 (GLIS family zinc finger 2; plus strand). Cytogenetic location: 16p13.3.
Variant type: single nucleotide variant.
Coding change: c.1010C>T on transcript NM_032575.3 (MANE Select); coding-DNA position 1010, C replaced by T.
Protein change: p.Pro337Leu; replaces proline 337 with leucine.
Molecular consequence: missense variant.
Genome position (GRCh38, 1-based): chr16:4,336,959, C>T. VCF-style: chr16-4336959-C-T. GRCh37 (hg19) VCF-style: chr16-4386960-C-T.
Other names: c.1010C>T, p.Pro337Leu (NM_001318918.2); short protein forms P337L.
Identifiers: ClinVar variation 319215 (VCV000319215.19), dbSNP rs140544340, ClinGen allele CA7873175.

ClinVar aggregate classification (germline): Benign/Likely benign. Review status: criteria provided, multiple submitters, no conflicts (2 of 4 stars). 4 submissions from 4 submitters: Benign (2); Likely benign (2). Last evaluated 2026-01-06.

Conditions:
Nephronophthisis. Also called: Juvenile Nephronophthisis. Identifiers: Orphanet 655, MedGen C0687120, MONDO:0019005, HP:0000090.
Nephronophthisis 7 (NPHP7). Identifiers: Orphanet 655, MedGen C1969092, MONDO:0012680, OMIM 611498.

Allele frequency attached by ClinVar (database versions not stated): ESP Exome Variant Server 0.00039; gnomAD 0.00128 and 0.00180; gnomAD exomes 0.00154 and 0.00282; TOPMed 0.00243; ExAC 0.00346; 1000 Genomes Project 30x 0.00593; 1000 Genomes Project 0.00699.
gnomAD v4.1: 2,533 of 1,610,952 alleles (0.16%); highest among the groups gnomAD compares: East Asian, 4.4%; 62 homozygotes.

Submissions (4):

Labcorp Genetics (formerly Invitae), Labcorp
Classification: Benign for Nephronophthisis. Last evaluated: 2026-01-06. Review status: criteria provided, single submitter. Criteria: Invitae Variant Classification Sherloc (09022015). Collection method: clinical testing. Allele origin: germline.

GeneDx
Classification: Likely benign. Last evaluated: 2023-06-26. Review status: criteria provided, single submitter. Criteria: GeneDx Variant Classification Process June 2021. Collection method: clinical testing. Allele origin: germline. Affected: yes.
Comment: See Variant Classification Assertion Criteria.

Illumina Laboratory Services, Illumina
Classification: Benign for Nephronophthisis 7. Last evaluated: 2018-01-13. Review status: criteria provided, single submitter. Criteria: ICSL Variant Classification Criteria 13 December 2019. Collection method: clinical testing. Allele origin: germline.
Comment: This variant was observed in the ICSL laboratory as part of a predisposition screen in an ostensibly healthy population. It had not been previously curated by ICSL or reported in the Human Gene Mutation Database (HGMD: prior to June 1st, 2018), and was therefore a candidate for classification through an automated scoring system. Utilizing variant allele frequency, disease prevalence and penetrance estimates, and inheritance mode, an automated score was calculated to assess if this variant is too frequent to cause the disease. Based on the score and internal cut-off values, a variant classified as benign is not then subjected to further curation. The score for this variant resulted in a classification of benign for this disease.

Breakthrough Genomics
Classification: Likely benign. Review status: criteria provided, single submitter. Criteria: ACMG Guidelines, 2015. Collection method: not provided. Allele origin: germline. Inheritance: Unknown mechanism. Affected: yes.